The following is an entry in ClinVar:

ClinVar aggregate classification (germline): Uncertain significance (1 of 4 stars; one submission).

gnomAD v4.1: 25 of 1,564,378 alleles (0.0016%); highest among the groups gnomAD compares: Admixed American, 0.01%; no homozygotes.

Submission:

Women's Health and Genetics/Laboratory Corporation of America, LabCorp
Classification: Uncertain significance. Last evaluated: 2025-07-02. Review status: criteria provided, single submitter. Criteria: LabCorp Variant Classification Summary - May 2015. Collection method: clinical testing. Allele origin: germline.
Comment: Variant summary: PTPN22 c.2038C>T (p.Arg680X) results in a premature termination codon, predicted to cause a truncation of the encoded protein or absence of the protein due to nonsense mediated decay, however current evidence is not sufficient to establish loss of function as a mechanism for disease. The variant allele was found at a frequency of 2.5e-05 in 244496 control chromosomes. The available data on variant occurrences in the general population are insufficient to allow any conclusion about variant significance. To our knowledge, no occurrence of c.2038C>T in individuals affected with PTPN22-Related Disorders and no experimental evidence demonstrating its impact on protein function have been reported. No submitters have cited clinical-significance assessments for this variant to ClinVar. Based on the evidence outlined above, the variant was classified as uncertain significance.

NM_015967.8(PTPN22):c.2038C>T (p.Arg680Ter)

Genes: AP4B1-AS1 (AP4B1 antisense RNA 1; plus strand), PTPN22 (protein tyrosine phosphatase non-receptor type 22; minus strand). Cytogenetic location: 1p13.2.
Variant type: single nucleotide variant.
Coding change: c.2038C>T on transcript NM_015967.8 (MANE Select); coding-DNA position 2038, C replaced by T.
Protein change: p.Arg680Ter; replaces arginine 680 with a stop codon.
Molecular consequence: nonsense.
Genome position (GRCh38, 1-based): chr1:113,833,126, G>A on the plus strand (C>T on the coding strand, the complement: PTPN22 is on the minus strand). VCF-style: chr1-113833126-G-A. GRCh37 (hg19) VCF-style: chr1-114375748-G-A.
Other names: c.1954C>T, p.Arg652Ter (NM_001193431.3); c.1966C>T, p.Arg656Ter (NM_001308297.2); c.1873C>T, p.Arg625Ter (NM_012411.6); short protein forms R625*, R652*, R656*, R680*.
Identifiers: ClinVar variation 3911964 (VCV003911964.2).